The following is an entry in ClinVar:

ClinVar aggregate classification (germline): Uncertain significance (1 of 4 stars; one submission).

Submission:

Labcorp Genetics (formerly Invitae), Labcorp
Classification: Uncertain significance. Last evaluated: 2024-07-30. Review status: criteria provided, single submitter. Criteria: Invitae Variant Classification Sherloc (09022015). Collection method: clinical testing. Allele origin: germline.
Comment: This sequence change replaces glutamine, which is neutral and polar, with lysine, which is basic and polar, at codon 719 of the SAMD9 protein (p.Gln719Lys). This variant is not present in population databases (gnomAD no frequency). This variant has not been reported in the literature in individuals affected with SAMD9-related conditions. Advanced modeling of protein sequence and biophysical properties (such as structural, functional, and spatial information, amino acid conservation, physicochemical variation, residue mobility, and thermodynamic stability) performed at Invitae indicates that this missense variant is not expected to disrupt SAMD9 protein function with a negative predictive value of 95%. In summary, the available evidence is currently insufficient to determine the role of this variant in disease. Therefore, it has been classified as a Variant of Uncertain Significance.

NM_017654.4(SAMD9):c.2155C>A (p.Gln719Lys)

Gene: SAMD9 (sterile alpha motif domain containing 9; minus strand). Cytogenetic location: 7q21.2.
Variant type: single nucleotide variant.
Coding change: c.2155C>A on transcript NM_017654.4 (MANE Select); coding-DNA position 2155, C replaced by A.
Protein change: p.Gln719Lys; replaces glutamine 719 with lysine.
Molecular consequence: missense variant.
Genome position (GRCh38, 1-based): chr7:93,103,943, G>T on the plus strand (C>A on the coding strand, the complement: SAMD9 is on the minus strand). VCF-style: chr7-93103943-G-T. GRCh37 (hg19) VCF-style: chr7-92733256-G-T.
Other names: c.2155C>A, p.Gln719Lys (NM_001193307.2); short protein forms Q719K.
Identifiers: ClinVar variation 3636742 (VCV003636742.2).